The following is an entry in ClinVar:

ClinVar aggregate classification (germline): Uncertain significance (1 of 4 stars; one submission).

Submission:

Labcorp Genetics (formerly Invitae), Labcorp
Classification: Uncertain significance. Last evaluated: 2022-06-17. Review status: criteria provided, single submitter. Criteria: Invitae Variant Classification Sherloc (09022015). Collection method: clinical testing. Allele origin: germline.
Comment: This variant is not present in population databases (gnomAD no frequency). This sequence change replaces isoleucine, which is neutral and non-polar, with threonine, which is neutral and polar, at codon 1232 of the OBSL1 protein (p.Ile1232Thr). This variant has not been reported in the literature in individuals affected with OBSL1-related conditions. Algorithms developed to predict the effect of missense changes on protein structure and function are either unavailable or do not agree on the potential impact of this missense change (SIFT: "Deleterious"; PolyPhen-2: "Possibly Damaging"; Align-GVGD: "Class C0"). In summary, the available evidence is currently insufficient to determine the role of this variant in disease. Therefore, it has been classified as a Variant of Uncertain Significance.

NM_015311.3(OBSL1):c.3695T>C (p.Ile1232Thr)

Gene: OBSL1 (obscurin like cytoskeletal adaptor 1; minus strand). Cytogenetic location: 2q35.
Variant type: single nucleotide variant.
Coding change: c.3695T>C on transcript NM_015311.3 (MANE Select); coding-DNA position 3695, T replaced by C.
Protein change: p.Ile1232Thr; replaces isoleucine 1232 with threonine.
Molecular consequence: missense variant.
Genome position (GRCh38, 1-based): chr2:219,557,918, A>G on the plus strand (T>C on the coding strand, the complement: OBSL1 is on the minus strand). VCF-style: chr2-219557918-A-G. GRCh37 (hg19) VCF-style: chr2-220422640-A-G.
Other names: c.3695T>C, p.Ile1232Thr (NM_001173431.2); short protein forms I1232T.
Identifiers: ClinVar variation 1895473 (VCV001895473.5), dbSNP rs2546232331, ClinGen allele CA350734895.
Genomic context (GRCh38, chr2:219,557,918, plus strand): 5'-CCGGGGGCTGCTCCAGACTGGCAGGTGTAGAGCCCTGCATGGGCTGGGCCTGCAGCCTGG[A>G]TGCAGAGGACTCGGCGGGGGCCCTCGGCATGGAGCTCTAGGCCCTCGCCCTCCTGCACGG-3'
Protein context (NP_056126.1, residues 1222-1242): HAEGPRRVLC[Ile1232Thr]QAAGPAHAGL